The following is an entry in ClinVar:

NM_033056.4(PCDH15):c.5603C>T (p.Thr1868Met)

Gene: PCDH15 (protocadherin related 15; minus strand). Cytogenetic location: 10q21.1.
Variant type: single nucleotide variant.
Coding change: c.5603C>T on transcript NM_033056.4 (MANE Plus Clinical); coding-DNA position 5603, C replaced by T.
Protein change: p.Thr1868Met; replaces threonine 1868 with methionine.
Molecular consequence: missense variant. On other transcripts: intron variant (8).
Genome position (GRCh38, 1-based): chr10:53,822,123, G>A on the plus strand (C>T on the coding strand, the complement: PCDH15 is on the minus strand). VCF-style: chr10-53822123-G-A. GRCh37 (hg19) VCF-style: chr10-55581883-G-A.
Other names: c.5624C>T, p.Thr1875Met (NM_001142763.2); c.5609C>T, p.Thr1870Met (NM_001142764.2); c.5396C>T, p.Thr1799Met (NM_001142765.2); c.5594C>T, p.Thr1865Met (NM_001142766.2); c.5483C>T, p.Thr1828Met (NM_001142767.2); c.5543C>T, p.Thr1848Met (NM_001142768.2); c.5534C>T, p.Thr1845Met (NM_001142773.2); c.5537C>T, p.Thr1846Met (NM_001354404.2); and 7 more; short protein forms T1868M, T1799M, T1828M, T1846M, T1848M, T1875M, T1870M, T1845M.
Identifiers: ClinVar variation 46506 (VCV000046506.36), dbSNP rs191736346, ClinGen allele CA138485.
Genomic context (GRCh38, chr10:53,822,123, plus strand): 5'-TTTTTAACGTGTCTGAGGATGCCTTTTGGTTCTCTCTGAGGGTCTGTTTTACACACTGTC[G>A]TTGTTGATAGCTGTGTCATAGAGGACTTAATTTTCTCGGCAGGCATCAAGTTGGTCGTGC-3'
Protein context (NP_149045.3, residues 1858-1878): IKSSMTQLST[Thr1868Met]TVCKTDPQRE

ClinVar aggregate classification (germline): Conflicting classifications of pathogenicity. Review status: criteria provided, conflicting classifications (1 of 4 stars). 10 submissions from 10 submitters: Uncertain significance (1); Benign (5); Likely benign (2). 2 of the submissions do not count toward it. Last evaluated 2026-02-04.

Conditions:
Usher syndrome type 1 (USH1). Also called: RETINITIS PIGMENTOSA AND CONGENITAL DEAFNESS. Identifiers: Orphanet 231169, Orphanet 886, MedGen C1568247, MONDO:0010168, OMIM 276900.

Allele frequency attached by ClinVar (database versions not stated): gnomAD 0.00391 and 0.00423; TOPMed 0.00413; ExAC 0.00128; 1000 Genomes Project 0.00399; gnomAD exomes 0.00098.
gnomAD v4.1: 1,115 of 1,597,172 alleles (0.07%); highest among the groups gnomAD compares: African/African-American, 1.4%; 5 homozygotes.

Submissions (10):

Labcorp Genetics (formerly Invitae), Labcorp
Classification: Benign. Last evaluated: 2026-02-04. Review status: criteria provided, single submitter. Criteria: Invitae Variant Classification Sherloc (09022015). Collection method: clinical testing. Allele origin: germline.

CeGaT Center for Human Genetics Tuebingen
Classification: Likely benign. Last evaluated: 2026-02-01. Review status: criteria provided, single submitter. Criteria: CeGaT Center For Human Genetics Tuebingen Variant Classification Criteria Version 2. Collection method: clinical testing. Allele origin: germline. Affected: yes. Observed: 2 variant alleles.
Comment: PCDH15: BP4

Blueprint Genetics
Classification: Likely benign. Last evaluated: 2024-11-27. Review status: criteria provided, single submitter. Criteria: ACMG Guidelines, 2015. Collection method: clinical testing. Allele origin: germline.

GeneDx
Classification: Benign. Last evaluated: 2019-03-15. Review status: criteria provided, single submitter. Criteria: GeneDx Variant Classification Process June 2021. Collection method: clinical testing. Allele origin: germline. Affected: yes.
Comment: This variant is associated with the following publications: (PMID: 26969326)

ARUP Laboratories, Molecular Genetics and Genomics, ARUP Laboratories
Classification: Benign. Last evaluated: 2018-09-14. Review status: criteria provided, single submitter. Criteria: ARUP Molecular Germline Variant Investigation Process. Collection method: clinical testing. Allele origin: germline.

Illumina Laboratory Services, Illumina
Classification: Uncertain significance for Usher syndrome type 1. Last evaluated: 2017-04-28. Review status: criteria provided, single submitter. Criteria: ICSL Variant Classification Criteria 13 December 2019. Collection method: clinical testing. Allele origin: germline.

Laboratory for Molecular Medicine, Mass General Brigham Personalized Medicine
Classification: Benign. Last evaluated: 2017-01-13. Review status: criteria provided, single submitter. Criteria: LMM Criteria. Collection method: clinical testing. Allele origin: germline. Observed: 7 variant alleles.
Comment: Thr1868Met in exon 33 of PCDH15: This variant is not expected to have clinical s ignificance because it has been identified in 1.5% (132/8652) of African chromos omes by the Exome Aggregation Consortium (ExAC; dbSNP rs191736346).

Eurofins Ntd Llc (ga)
Classification: Benign. Last evaluated: 2015-10-09. Review status: criteria provided, single submitter. Criteria: EGL Classification Definitions 2015. Collection method: clinical testing. Allele origin: germline. Observed: 3 variant alleles, 3 heterozygotes.

Clinical Genetics DNA and cytogenetics Diagnostics Lab, Erasmus MC, Erasmus Medical Center
Classification: Likely benign. Review status: no assertion criteria provided. Collection method: clinical testing. Allele origin: germline. Affected: yes. Study: VKGL Data-share Consensus. Not counted in ClinVar's aggregate classification.

Clinical Genetics, Academic Medical Center
Classification: Benign. Review status: no assertion criteria provided. Collection method: clinical testing. Allele origin: germline. Affected: yes. Study: VKGL Data-share Consensus. Not counted in ClinVar's aggregate classification.